The following is an entry in ClinVar:

ClinVar aggregate classification (germline): Likely pathogenic (1 of 4 stars; one submission).

Conditions:
Hereditary factor XI deficiency disease. Also called: Congenital factor XI deficiency; PLASMA THROMBOPLASTIN ANTECEDENT DEFICIENCY; PTA DEFICIENCY; ROSENTHAL SYNDROME. Identifiers: Orphanet 329, MedGen C0015523, MeSH D005173, MONDO:0012897, OMIM 612416.

Submission:

Myriad Genetics, Inc.
Classification: Likely pathogenic for Hereditary factor XI deficiency disease. Last evaluated: 2021-12-30. Review status: criteria provided, single submitter. Criteria: Myriad Women's Health Autosomal Recessive and X-Linked Classification Criteria (2021). Collection method: clinical testing. Allele origin: unknown.
Comment: NM_000128.3(F11):c.963C>A(C321*) is expected to be pathogenic in the context of factor XI deficiency. This variant is predicted to lead to an abnormal or absent protein product due to the creation of a premature termination codon in F11, a gene where loss-of-function variants are known to be pathogenic. Please note: this variant was assessed in the context of healthy population screening.

NM_000128.4(F11):c.963C>A (p.Cys321Ter)

Gene: F11 (coagulation factor XI; plus strand). Cytogenetic location: 4q35.2.
Variant type: single nucleotide variant.
Coding change: c.963C>A on transcript NM_000128.4 (MANE Select); coding-DNA position 963, C replaced by A.
Protein change: p.Cys321Ter; replaces cysteine 321 with a stop codon.
Molecular consequence: nonsense.
Genome position (GRCh38, 1-based): chr4:186,280,320, C>A. VCF-style: chr4-186280320-C-A. GRCh37 (hg19) VCF-style: chr4-187201474-C-A.
Other names: short protein forms C321*.
Identifiers: ClinVar variation 1726399 (VCV001726399.2), dbSNP rs1740702281, ClinGen allele CA358938062.